The following is an entry in ClinVar:

NM_003846.3(PEX11B):c.739A>G (p.Ile247Val)

Gene: PEX11B (peroxisomal biogenesis factor 11 beta; minus strand). Cytogenetic location: 1q21.1.
Variant type: single nucleotide variant.
Coding change: c.739A>G on transcript NM_003846.3 (MANE Select); coding-DNA position 739, A replaced by G.
Protein change: p.Ile247Val; replaces isoleucine 247 with valine.
Molecular consequence: missense variant. On other transcripts: non-coding transcript variant (3).
Genome position (GRCh38, 1-based): chr1:145,912,202, T>C on the plus strand (A>G on the coding strand, the complement: PEX11B is on the minus strand). VCF-style: chr1-145912202-T-C. GRCh37 (hg19) VCF-style: chr1-145522878-A-G.
Other names: c.697A>G, p.Ile233Val (NM_001184795.1); short protein forms I233V, I247V.
Identifiers: ClinVar variation 1483855 (VCV001483855.4), dbSNP rs202023581, ClinGen allele CA342120307.

ClinVar aggregate classification (germline): Uncertain significance (1 of 4 stars; one submission).

Allele frequency attached by ClinVar (database versions not stated): gnomAD exomes below 0.00001 and 0.00001; gnomAD 0.00001 and 0.00002; TOPMed 0.00001; 1000 Genomes Project 30x 0.00016; 1000 Genomes Project 0.00020.

Submission:

Labcorp Genetics (formerly Invitae), Labcorp
Classification: Uncertain significance. Last evaluated: 2023-11-01. Review status: criteria provided, single submitter. Criteria: Invitae Variant Classification Sherloc (09022015). Collection method: clinical testing. Allele origin: germline.
Comment: This sequence change replaces isoleucine, which is neutral and non-polar, with valine, which is neutral and non-polar, at codon 247 of the PEX11B protein (p.Ile247Val). This variant is not present in population databases (gnomAD no frequency). This variant has not been reported in the literature in individuals affected with PEX11B-related conditions. ClinVar contains an entry for this variant (Variation ID: 1483855). An algorithm developed to predict the effect of missense changes on protein structure and function (PolyPhen-2) suggests that this variant is likely to be disruptive. In summary, the available evidence is currently insufficient to determine the role of this variant in disease. Therefore, it has been classified as a Variant of Uncertain Significance.